The following is an entry in ClinVar:

NM_002972.4(SBF1):c.1359G>A (p.Met453Ile)

Gene: SBF1 (SET binding factor 1; minus strand). Cytogenetic location: 22q13.33.
Variant type: single nucleotide variant.
Coding change: c.1359G>A on transcript NM_002972.4 (MANE Select); coding-DNA position 1359, G replaced by A.
Protein change: p.Met453Ile; replaces methionine 453 with isoleucine.
Molecular consequence: missense variant.
Genome position (GRCh38, 1-based): chr22:50,464,891, C>T on the plus strand (G>A on the coding strand, the complement: SBF1 is on the minus strand). VCF-style: chr22-50464891-C-T. GRCh37 (hg19) VCF-style: chr22-50903320-C-T.
Other names: c.1359G>A (NM_002972.2); c.1362G>A, p.Met454Ile (NM_001365819.1); short protein forms M453I, M454I.
Identifiers: ClinVar variation 1515871 (VCV001515871.9), dbSNP rs776387674, ClinGen allele CA10317707.

ClinVar aggregate classification (germline): Uncertain significance. Review status: criteria provided, multiple submitters, no conflicts (2 of 4 stars). 2 submissions from 2 submitters: Uncertain significance (2). Last evaluated 2022-04-05.

Allele frequency attached by ClinVar (database versions not stated): ExAC 0.00001; gnomAD exomes 0.00001.
gnomAD v4.1: 17 of 1,613,770 alleles (0.0011%); highest among the groups gnomAD compares: Non-Finnish European, 0.0014%; no homozygotes.

Submissions (2):

Labcorp Genetics (formerly Invitae), Labcorp
Classification: Uncertain significance. Last evaluated: 2022-04-05. Review status: criteria provided, single submitter. Criteria: Invitae Variant Classification Sherloc (09022015). Collection method: clinical testing. Allele origin: germline.
Comment: In summary, the available evidence is currently insufficient to determine the role of this variant in disease. Therefore, it has been classified as a Variant of Uncertain Significance. Algorithms developed to predict the effect of missense changes on protein structure and function output the following: SIFT: "Tolerated"; PolyPhen-2: "Benign"; Align-GVGD: "Class C0". The isoleucine amino acid residue is found in multiple mammalian species, which suggests that this missense change does not adversely affect protein function. This variant has not been reported in the literature in individuals affected with SBF1-related conditions. This variant is present in population databases (rs776387674, gnomAD 0.002%). This sequence change replaces methionine, which is neutral and non-polar, with isoleucine, which is neutral and non-polar, at codon 453 of the SBF1 protein (p.Met453Ile).

Ambry Genetics
Classification: Uncertain significance. Last evaluated: 2021-09-15. Review status: criteria provided, single submitter. Criteria: Ambry Variant Classification Scheme 2023. Collection method: clinical testing. Allele origin: germline.